The following is an entry in ClinVar:

ClinVar aggregate classification (germline): Uncertain significance (1 of 4 stars; one submission).

Conditions:
Bardet-Biedl syndrome (BBS). Identifiers: Orphanet 110, MedGen C0752166, MONDO:0015229.

Allele frequency attached by ClinVar (database versions not stated): TOPMed 0.00001; gnomAD exomes 0.00002.
gnomAD v4.1: 25 of 1,612,842 alleles (0.0016%); highest among the groups gnomAD compares: African/African-American, 0.0027%; no homozygotes.

Submission:

Labcorp Genetics (formerly Invitae), Labcorp
Classification: Uncertain significance for Bardet-Biedl syndrome. Last evaluated: 2023-08-02. Review status: criteria provided, single submitter. Criteria: Invitae Variant Classification Sherloc (09022015). Collection method: clinical testing. Allele origin: germline.
Comment: In summary, the available evidence is currently insufficient to determine the role of this variant in disease. Therefore, it has been classified as a Variant of Uncertain Significance. An algorithm developed to predict the effect of missense changes on protein structure and function (PolyPhen-2) suggests that this variant is likely to be disruptive. ClinVar contains an entry for this variant (Variation ID: 1497369). This variant has not been reported in the literature in individuals affected with WDPCP-related conditions. The frequency data for this variant in the population databases is considered unreliable, as metrics indicate poor data quality at this position in the gnomAD database. This sequence change replaces serine, which is neutral and polar, with tyrosine, which is neutral and polar, at codon 737 of the WDPCP protein (p.Ser737Tyr).

NM_015910.7(WDPCP):c.2210C>A (p.Ser737Tyr)

Gene: WDPCP (WD repeat containing planar cell polarity effector; minus strand). Cytogenetic location: 2p15.
Variant type: single nucleotide variant.
Coding change: c.2210C>A on transcript NM_015910.7 (MANE Select); coding-DNA position 2210, C replaced by A.
Protein change: p.Ser737Tyr; replaces serine 737 with tyrosine.
Molecular consequence: missense variant. On other transcripts: non-coding transcript variant (3).
Genome position (GRCh38, 1-based): chr2:63,122,037, G>T on the plus strand (C>A on the coding strand, the complement: WDPCP is on the minus strand). VCF-style: chr2-63122037-G-T. GRCh37 (hg19) VCF-style: chr2-63349172-G-T.
Other names: c.1733C>A, p.Ser578Tyr (NM_001042692.3); c.2138C>A, p.Ser713Tyr (NM_001354044.2); short protein forms S578Y, S713Y, S737Y.
Identifiers: ClinVar variation 1497369 (VCV001497369.8), dbSNP rs746369214, ClinGen allele CA1681949.